The following is an entry in ClinVar:

ClinVar aggregate classification (germline): Uncertain significance (1 of 4 stars; one submission).

Conditions:
DICER1-related tumor predisposition. Also called: DICER1 syndrome; DICER1-related pleuropulmonary blastoma cancer predisposition syndrome. Identifiers: Orphanet 284343, MedGen C3839822, MONDO:0100216.

Allele frequency attached by ClinVar (database versions not stated): gnomAD 0.00001.

Submission:

Labcorp Genetics (formerly Invitae), Labcorp
Classification: Uncertain significance for DICER1-related tumor predisposition. Last evaluated: 2024-06-19. Review status: criteria provided, single submitter. Criteria: Invitae Variant Classification Sherloc (09022015). Collection method: clinical testing. Allele origin: germline.
Comment: This sequence change replaces alanine, which is neutral and non-polar, with threonine, which is neutral and polar, at codon 1300 of the DICER1 protein (p.Ala1300Thr). This variant is not present in population databases (gnomAD no frequency). This variant has not been reported in the literature in individuals affected with DICER1-related conditions. ClinVar contains an entry for this variant (Variation ID: 242094). Advanced modeling of protein sequence and biophysical properties (such as structural, functional, and spatial information, amino acid conservation, physicochemical variation, residue mobility, and thermodynamic stability) performed at Invitae indicates that this missense variant is expected to disrupt DICER1 protein function with a positive predictive value of 80%. In summary, the available evidence is currently insufficient to determine the role of this variant in disease. Therefore, it has been classified as a Variant of Uncertain Significance.

NM_177438.3(DICER1):c.3898G>A (p.Ala1300Thr)

Gene: DICER1 (dicer 1, ribonuclease III; minus strand). Cytogenetic location: 14q32.13.
Variant type: single nucleotide variant.
Coding change: c.3898G>A on transcript NM_177438.3 (MANE Select); coding-DNA position 3898, G replaced by A.
Protein change: p.Ala1300Thr; replaces alanine 1300 with threonine.
Molecular consequence: missense variant.
Genome position (GRCh38, 1-based): chr14:95,103,498, C>T on the plus strand (G>A on the coding strand, the complement: DICER1 is on the minus strand). VCF-style: chr14-95103498-C-T. GRCh37 (hg19) VCF-style: chr14-95569835-C-T.
Other names: c.3898G>A, p.Ala1300Thr (NM_001195573.1, NM_001271282.3, NM_001291628.2 and 1 more transcripts); short protein forms A1300T.
Identifiers: ClinVar variation 242094 (VCV000242094.10), dbSNP rs878855260, ClinGen allele CA10583201.